The following is an entry in ClinVar:

NM_058216.3(RAD51C):c.510A>G (p.Val170=)

Gene: RAD51C (RAD51 paralog C; plus strand). Cytogenetic location: 17q22.
Variant type: single nucleotide variant.
Coding change: c.510A>G on transcript NM_058216.3 (MANE Select); coding-DNA position 510, A replaced by G.
Protein change: p.Val170=; no amino-acid change (valine 170 retained).
Molecular consequence: synonymous variant.
Genome position (GRCh38, 1-based): chr17:58,696,798, A>G. VCF-style: chr17-58696798-A-G. GRCh37 (hg19) VCF-style: chr17-56774159-A-G.
Identifiers: ClinVar variation 3903818 (VCV003903818.2).

ClinVar aggregate classification (germline): Benign/Likely benign. Review status: criteria provided, multiple submitters, no conflicts (2 of 4 stars). 2 submissions from 2 submitters: Benign (1); Likely benign (1). Last evaluated 2026-05-03.

Conditions:
Breast-ovarian cancer, familial, susceptibility to, 3. Also called: RAD51C-Related Breast/Ovarian Cancer. Identifiers: Orphanet 145, MedGen C3150659, MONDO:0013253, OMIM 613399.
Hereditary cancer-predisposing syndrome. Also called: Neoplastic Syndromes, Hereditary; Tumor predisposition; Hereditary Cancer Syndrome; Hereditary neoplastic syndrome. Identifiers: Orphanet 140162, MedGen C0027672, MeSH D009386, MONDO:0015356.

Submissions (2):

Ambry Genetics
Classification: Likely benign for Hereditary cancer-predisposing syndrome. Last evaluated: 2026-05-03. Review status: criteria provided, single submitter. Criteria: Ambry Variant Classification Scheme 2023. Collection method: clinical testing. Allele origin: germline.

Myriad Genetics, Inc.
Classification: Benign for Breast-ovarian cancer, familial, susceptibility to, 3. Last evaluated: 2025-02-18. Review status: criteria provided, single submitter. Criteria: Myriad Autosomal Dominant, Autosomal Recessive and X-Linked Classification Criteria (2023). Collection method: clinical testing. Allele origin: unknown.
Comment: This variant is considered benign. This variant is a silent/synonymous amino acid change and it is not expected to impact splicing.